The following is an entry in ClinVar:

NM_014141.6(CNTNAP2):c.3552C>G (p.Phe1184Leu)

Gene: CNTNAP2 (contactin associated protein 2; plus strand). Cytogenetic location: 7q36.1.
Variant type: single nucleotide variant.
Coding change: c.3552C>G on transcript NM_014141.6 (MANE Select); coding-DNA position 3552, C replaced by G.
Protein change: p.Phe1184Leu; replaces phenylalanine 1184 with leucine.
Molecular consequence: missense variant.
Genome position (GRCh38, 1-based): chr7:148,383,725, C>G. VCF-style: chr7-148383725-C-G. GRCh37 (hg19) VCF-style: chr7-148080817-C-G.
Other names: c.3552C>G (NM_014141.5); short protein forms F1184L.
Identifiers: ClinVar variation 2766380 (VCV002766380.4), dbSNP rs1400914792, ClinGen allele CA369704466.

ClinVar aggregate classification (germline): Uncertain significance. Review status: criteria provided, multiple submitters, no conflicts (2 of 4 stars). 2 submissions from 2 submitters: Uncertain significance (2). Last evaluated 2024-05-14.

Conditions:
Cortical dysplasia-focal epilepsy syndrome (PTHSL1). Also called: Pitt-Hopkins-like syndrome 1. Identifiers: Orphanet 163681, Orphanet 221150, MedGen C2750246, MONDO:0012400, OMIM 610042.

Submissions (2):

GeneDx
Classification: Uncertain significance. Last evaluated: 2024-05-14. Review status: criteria provided, single submitter. Criteria: GeneDx Variant Classification Process June 2021. Collection method: clinical testing. Allele origin: germline. Affected: yes.
Comment: Not observed at significant frequency in large population cohorts (gnomAD); In silico analysis supports that this missense variant has a deleterious effect on protein structure/function; Has not been previously published as pathogenic or benign to our knowledge

Labcorp Genetics (formerly Invitae), Labcorp
Classification: Uncertain significance for Cortical dysplasia-focal epilepsy syndrome. Last evaluated: 2023-10-09. Review status: criteria provided, single submitter. Criteria: Invitae Variant Classification Sherloc (09022015). Collection method: clinical testing. Allele origin: germline.
Comment: This sequence change replaces phenylalanine, which is neutral and non-polar, with leucine, which is neutral and non-polar, at codon 1184 of the CNTNAP2 protein (p.Phe1184Leu). This variant is not present in population databases (gnomAD no frequency). This variant has not been reported in the literature in individuals affected with CNTNAP2-related conditions. An algorithm developed to predict the effect of missense changes on protein structure and function (PolyPhen-2) suggests that this variant is likely to be tolerated. In summary, the available evidence is currently insufficient to determine the role of this variant in disease. Therefore, it has been classified as a Variant of Uncertain Significance.